The following is an entry in ClinVar:

ClinVar aggregate classification (germline): Conflicting classifications of pathogenicity. Review status: criteria provided, conflicting classifications (1 of 4 stars). 5 submissions from 5 submitters: Uncertain significance (3); Likely benign (1). 1 of the submissions does not count toward it. Last evaluated 2025-11-30.

Conditions:
A2ML1-related disorder. Also called: A2ML1-related condition.

Allele frequency attached by ClinVar (database versions not stated): gnomAD exomes 0.00002 and 0.00006; ExAC 0.00004; ESP Exome Variant Server 0.00008; gnomAD 0.00016 and 0.00021; TOPMed 0.00022.

Submissions (5):

Labcorp Genetics (formerly Invitae), Labcorp
Classification: Uncertain significance. Last evaluated: 2025-11-30. Review status: criteria provided, single submitter. Criteria: Invitae Variant Classification Sherloc (09022015). Collection method: clinical testing. Allele origin: germline.
Comment: This sequence change replaces arginine, which is basic and polar, with cysteine, which is neutral and slightly polar, at codon 802 of the A2ML1 protein (p.Arg802Cys). This variant is present in population databases (rs367937691, gnomAD 0.03%). This variant has not been reported in the literature in individuals affected with A2ML1-related conditions. ClinVar contains an entry for this variant (Variation ID: 393130). An algorithm developed to predict the effect of missense changes on protein structure and function (PolyPhen-2) suggests that this variant is likely to be disruptive. In summary, the available evidence is currently insufficient to determine the role of this variant in disease. Therefore, it has been classified as a Variant of Uncertain Significance.

Ambry Genetics
Classification: Uncertain significance. Last evaluated: 2024-09-18. Review status: criteria provided, single submitter. Criteria: Ambry Variant Classification Scheme 2023. Collection method: clinical testing. Allele origin: germline.

GeneDx
Classification: Uncertain significance. Last evaluated: 2023-06-09. Review status: criteria provided, single submitter. Criteria: GeneDx Variant Classification Process June 2021. Collection method: clinical testing. Allele origin: germline. Affected: yes.
Comment: In silico analysis supports that this missense variant has a deleterious effect on protein structure/function; Has not been previously published as pathogenic or benign to our knowledge; Variants in candidate genes are classified as variants of uncertain significance in accordance with ACMG guidelines (Richards et al., 2015)

Women's Health and Genetics/Laboratory Corporation of America, LabCorp
Classification: Likely benign. Last evaluated: 2021-12-04. Review status: criteria provided, single submitter. Criteria: LabCorp Variant Classification Summary - May 2015. Collection method: clinical testing. Allele origin: germline.

PreventionGenetics, part of Exact Sciences
Classification: Uncertain significance for A2ML1-related condition. Last evaluated: 2024-02-19. Review status: no assertion criteria provided. Collection method: clinical testing. Allele origin: germline. Not counted in ClinVar's aggregate classification.
Comment: The A2ML1 c.2404C>T variant is predicted to result in the amino acid substitution p.Arg802Cys. To our knowledge, this variant has not been reported in the literature. This variant is reported in 0.033% of alleles in individuals of African descent in gnomAD. At this time, the clinical significance of this variant is uncertain due to the absence of conclusive functional and genetic evidence.

NM_144670.6(A2ML1):c.2404C>T (p.Arg802Cys)

Gene: A2ML1 (alpha-2-macroglobulin like 1; plus strand). Cytogenetic location: 12p13.31.
Variant type: single nucleotide variant.
Coding change: c.2404C>T on transcript NM_144670.6 (MANE Select); coding-DNA position 2404, C replaced by T.
Protein change: p.Arg802Cys; replaces arginine 802 with cysteine.
Molecular consequence: missense variant.
Genome position (GRCh38, 1-based): chr12:8,851,953, C>T. VCF-style: chr12-8851953-C-T. GRCh37 (hg19) VCF-style: chr12-9004549-C-T.
Other names: c.2404C>T (NM_144670.3); c.931C>T, p.Arg311Cys (NM_001282424.3); short protein forms R802C, R311C.
Identifiers: ClinVar variation 393130 (VCV000393130.19), dbSNP rs367937691, ClinGen allele CA6436004.